The following is an entry in ClinVar:

ClinVar aggregate classification (germline): Likely pathogenic (1 of 4 stars; one submission).

Conditions:
Niemann-Pick disease, type C2 (NPC2). Identifiers: Orphanet 646, MedGen C1843366, MONDO:0011873, OMIM 607625.

Submission:

Myriad Genetics, Inc.
Classification: Likely pathogenic for Niemann-Pick disease, type C2. Last evaluated: 2022-02-19. Review status: criteria provided, single submitter. Criteria: Myriad Women's Health Autosomal Recessive and X-Linked Classification Criteria (2021). Collection method: clinical testing. Allele origin: unknown.
Comment: NM_006432.3(NPC2):c.336_339delACTAinsCTT(K112Nfs*4) is expected to be pathogenic in the context of Niemann-Pick disease type C2. This variant is predicted to lead to an abnormal or absent protein product due to the creation of a premature termination codon in NPC2, a gene where loss-of-function variants are known to be pathogenic. Please note: this variant was assessed in the context of healthy population screening.

NM_006432.5(NPC2):c.336_339delinsCTT (p.Lys112fs)

Gene: NPC2 (NPC intracellular cholesterol transporter 2; minus strand). Cytogenetic location: 14q24.3.
Variant type: Indel.
Coding change: c.336_339delinsCTT on transcript NM_006432.5 (MANE Select); coding-DNA positions 336 to 339, ACTA replaced by CTT.
Protein change: p.Lys112fs; shifts the reading frame from lysine 112.
Molecular consequence: frameshift variant.
Genome position (GRCh38, 1-based): chr14:74,484,439-74,484,442, TAGT replaced by AAG on the plus strand (ACTA replaced by CTT on the coding strand, the reverse complement: NPC2 is on the minus strand). VCF-style: chr14-74484439-TAGT-AAG. GRCh37 (hg19) VCF-style: chr14-74951142-TAGT-AAG.
Other names: c.336_339delinsCTT, p.Lys112fs (NM_001363688.1, NM_001375440.1); short protein forms K112fs.
Identifiers: ClinVar variation 1724522 (VCV001724522.2), dbSNP rs2506104379, ClinGen allele CA2580088713.